The following is an entry in ClinVar:

NM_001267550.2(TTN):c.80268_80269del (p.Arg26756fs)

Genes: TTN-AS1 (TTN antisense RNA 1; plus strand), TTN (titin; minus strand). Cytogenetic location: 2q31.2.
Variant type: Microsatellite.
Coding change: c.80268_80269del on transcript NM_001267550.2 (MANE Select); coding-DNA positions 80268 to 80269, 2 bases deleted (AG; older notation c.80268_80269delAG).
Protein change: p.Arg26756fs; shifts the reading frame from arginine 26756.
Molecular consequence: frameshift variant.
Genome position (GRCh38, 1-based): chr2:178,565,863-178,565,864, CT deleted on the plus strand (AG on the coding strand, the reverse complement: TTN is on the minus strand); deleting any 2 consecutive bases within chr2:178,565,863-178,565,866 gives the same sequence; the c. name uses the placement nearest the transcript's 3' end. VCF-style (leftmost placement, unchanged base first): chr2-178565862-ACT-A. GRCh37 (hg19) VCF-style: chr2-179430589-ACT-A.
Other names: c.75345_75346del, p.Arg25115fs (NM_001256850.1); c.53073_53074del, p.Arg17691fs (NM_003319.4); c.72564_72565del, p.Arg24188fs (NM_133378.4); c.53448_53449del, p.Arg17816fs (NM_133432.3); c.53649_53650del, p.Arg17883fs (NM_133437.4); short protein forms R17691fs, R17816fs, R17883fs, R24188fs, R25115fs, R26756fs.
Identifiers: ClinVar variation 1067679 (VCV001067679.9), dbSNP rs2154165154, ClinGen allele CA2580614439.
Genomic context (GRCh38, chr2:178,565,862, plus strand): 5'-GCTTTCACGGCATCAACAGTTTCCACTGGAACACCAACTCCAAATTCATTTTCAGCCATG[ACT>A]CTGAAGTAATAAATGGCTCCTTCTGTAAGGTTTTCCACTTTAAAACTTGTTTTGCTGCAT-3'

ClinVar aggregate classification (germline): Likely pathogenic (1 of 4 stars; one submission).

Conditions:
Dilated cardiomyopathy 1G (CMD1G). Identifiers: Orphanet 154, MedGen C1858763, MONDO:0011400, OMIM 604145.
Autosomal recessive limb-girdle muscular dystrophy type 2J (LGMDR10). Also called: Limb-girdle muscular dystrophy, type 2J; MUSCULAR DYSTROPHY, LIMB-GIRDLE, AUTOSOMAL RECESSIVE 10. Identifiers: Orphanet 140922, MedGen C1837342, MONDO:0012127, OMIM 608807.

Submission:

Labcorp Genetics (formerly Invitae), Labcorp
Classification: Likely pathogenic for Dilated cardiomyopathy 1G; Autosomal recessive limb-girdle muscular dystrophy type 2J. Last evaluated: 2021-03-26. Review status: criteria provided, single submitter. Criteria: Invitae Variant Classification Sherloc (09022015). Collection method: clinical testing. Allele origin: germline.
Comment: In summary, the currently available evidence indicates that the variant is pathogenic, but additional data are needed to prove that conclusively. Therefore, this variant has been classified as Likely Pathogenic. This sequence change results in a premature translational stop signal in the TTN gene (p.Arg26756Serfs*4). While this is not anticipated to result in nonsense mediated decay, it is expected to create a truncated TTN protein. This variant is not present in population databases (ExAC no frequency). This variant has not been reported in the literature in individuals with TTN-related conditions. This variant is located in the A band of TTN (PMID: 25589632). Truncating variants in this region are significantly overrepresented in patients affected with dilated cardiomyopathy (PMID: 25589632). Truncating variants in this region have also been reported in individuals affected with autosomal recessive centronuclear myopathy (PMID: 23975875).

Literature cited by the submitters: PubMed 25589632; PubMed 23975875.